The following is an entry in ClinVar:

ClinVar aggregate classification (germline): Uncertain significance (1 of 4 stars; one submission).

Conditions:
Alpha-1-antitrypsin deficiency (A1ATD). Also called: AAT deficiency; A1AT deficiency; Alpha1-Antitrypsin Deficiency. Identifiers: Orphanet 60, MedGen C0221757, MONDO:0013282, OMIM 613490.

Allele frequency attached by ClinVar (database versions not stated): gnomAD exomes 0.00001.
gnomAD v4.1: 3 of 1,614,196 alleles (0.00019%); highest among the groups gnomAD compares: South Asian, 0.0033%; no homozygotes.

Submission:

Labcorp Genetics (formerly Invitae), Labcorp
Classification: Uncertain significance for Alpha-1-antitrypsin deficiency. Last evaluated: 2023-08-24. Review status: criteria provided, single submitter. Criteria: Invitae Variant Classification Sherloc (09022015). Collection method: clinical testing. Allele origin: germline.
Comment: This missense change has been observed in individual(s) with alpha-1-antitrypsin deficiency (PMID: 26281944). In summary, the available evidence is currently insufficient to determine the role of this variant in disease. Therefore, it has been classified as a Variant of Uncertain Significance. Advanced modeling of protein sequence and biophysical properties (such as structural, functional, and spatial information, amino acid conservation, physicochemical variation, residue mobility, and thermodynamic stability) performed at Invitae indicates that this missense variant is expected to disrupt SERPINA1 protein function. This variant is also known as p.Leu263Pro and Q0gaia. This variant is present in population databases (no rsID available, gnomAD 0.003%). This sequence change replaces leucine, which is neutral and non-polar, with proline, which is neutral and non-polar, at codon 287 of the SERPINA1 protein (p.Leu287Pro).

Literature cited by the submitters: PubMed 26281944.

NM_000295.5(SERPINA1):c.860T>C (p.Leu287Pro)

Gene: SERPINA1 (serpin family A member 1; minus strand). Cytogenetic location: 14q32.13.
Variant type: single nucleotide variant.
Coding change: c.860T>C on transcript NM_000295.5 (MANE Select); coding-DNA position 860, T replaced by C.
Protein change: p.Leu287Pro; replaces leucine 287 with proline.
Molecular consequence: missense variant.
Genome position (GRCh38, 1-based): chr14:94,380,928, A>G on the plus strand (T>C on the coding strand, the complement: SERPINA1 is on the minus strand). VCF-style: chr14-94380928-A-G. GRCh37 (hg19) VCF-style: chr14-94847265-A-G.
Other names: c.860T>C, p.Leu287Pro (NM_001002235.3, NM_001002236.3, NM_001127700.2 and 7 more transcripts); short protein forms L287P.
Identifiers: ClinVar variation 2736150 (VCV002736150.3), dbSNP rs1450795004, ClinGen allele CA390848420.